The following is an entry in ClinVar:

NM_004525.3(LRP2):c.9066C>T (p.Ser3022=)

Gene: LRP2 (LDL receptor related protein 2; minus strand). Cytogenetic location: 2q31.1.
Variant type: single nucleotide variant.
Coding change: c.9066C>T on transcript NM_004525.3 (MANE Select); coding-DNA position 9066, C replaced by T.
Protein change: p.Ser3022=; no amino-acid change (serine 3022 retained).
Molecular consequence: synonymous variant.
Genome position (GRCh38, 1-based): chr2:169,188,232, G>A on the plus strand (C>T on the coding strand, the complement: LRP2 is on the minus strand). VCF-style: chr2-169188232-G-A. GRCh37 (hg19) VCF-style: chr2-170044742-G-A.
Identifiers: ClinVar variation 726240 (VCV000726240.19), dbSNP rs374380173, ClinGen allele CA1953672.

ClinVar aggregate classification (germline): Conflicting classifications of pathogenicity. Review status: criteria provided, conflicting classifications (1 of 4 stars). 5 submissions from 5 submitters: Uncertain significance (1); Likely benign (3). 1 of the submissions does not count toward it. Last evaluated 2025-12-24.

Conditions:
LRP2-related disorder. Also called: LRP2-related condition.
Donnai-Barrow syndrome. Also called: DBS/FOAR SYNDROME; FACIOOCULOACOUSTICORENAL SYNDROME. Identifiers: Orphanet 2143, MedGen C1857277, MONDO:0009104, OMIM 222448.

Allele frequency attached by ClinVar (database versions not stated): ESP Exome Variant Server 0.00008; gnomAD exomes 0.00009 and 0.00017; gnomAD 0.00010; TOPMed 0.00012; ExAC 0.00015.
gnomAD v4.1: 156 of 1,613,924 alleles (0.0097%); highest among the groups gnomAD compares: Non-Finnish European, 0.0023%; no homozygotes.

Submissions (5):

Labcorp Genetics (formerly Invitae), Labcorp
Classification: Likely benign. Last evaluated: 2025-12-24. Review status: criteria provided, single submitter. Criteria: Invitae Variant Classification Sherloc (09022015). Collection method: clinical testing. Allele origin: germline.

Blueprint Genetics
Classification: Likely benign. Last evaluated: 2024-11-18. Review status: criteria provided, single submitter. Criteria: ACMG Guidelines, 2015. Collection method: clinical testing. Allele origin: germline.

Genome-Nilou Lab
Classification: Likely benign for Donnai-Barrow syndrome. Last evaluated: 2021-07-15. Review status: criteria provided, single submitter. Criteria: ACMG Guidelines, 2015. Collection method: clinical testing. Allele origin: germline. Affected: no.

Illumina Laboratory Services, Illumina
Classification: Uncertain significance for Donnai-Barrow syndrome. Last evaluated: 2018-01-13. Review status: criteria provided, single submitter. Criteria: ICSL Variant Classification Criteria 13 December 2019. Collection method: clinical testing. Allele origin: germline.

PreventionGenetics, part of Exact Sciences
Classification: Likely benign for LRP2-related condition. Last evaluated: 2019-11-15. Review status: no assertion criteria provided. Collection method: clinical testing. Allele origin: germline. Not counted in ClinVar's aggregate classification.
Comment: This variant is classified as likely benign based on ACMG/AMP sequence variant interpretation guidelines (Richards et al. 2015 PMID: 25741868, with internal and published modifications).